The following is an entry in ClinVar:

NM_001458.5(FLNC):c.2293G>C (p.Glu765Gln)

Gene: FLNC (filamin C; plus strand). Cytogenetic location: 7q32.1.
Variant type: single nucleotide variant.
Coding change: c.2293G>C on transcript NM_001458.5 (MANE Select); coding-DNA position 2293, G replaced by C.
Protein change: p.Glu765Gln; replaces glutamic acid 765 with glutamine.
Molecular consequence: missense variant.
Genome position (GRCh38, 1-based): chr7:128,842,602, G>C. VCF-style: chr7-128842602-G-C. GRCh37 (hg19) VCF-style: chr7-128482656-G-C.
Other names: c.2293G>C, p.Glu765Gln (NM_001127487.2); short protein forms E765Q.
Identifiers: ClinVar variation 3748143 (VCV003748143.2).
Genomic context (GRCh38, chr7:128,842,602, plus strand): 5'-GGGCACCACGCTGAGCTGCGACCCCTCCCGCAGGTGAACGTGGGCGAGGGCAGCCACCCC[G>C]AGCGGGTAAAGGTGTACGGCCCCGGAGTGGAGAAGACAGGCCTCAAGGCCAATGAGCCCA-3'
Protein context (NP_001449.3, residues 755-775): RVNVGEGSHP[Glu765Gln]RVKVYGPGVE

ClinVar aggregate classification (germline): Uncertain significance (1 of 4 stars; one submission).

Conditions:
Hypertrophic cardiomyopathy 26. Also called: Cardiomyopathy, familial hypertrophic, 26. Identifiers: Orphanet 75249, MedGen C4310749, MONDO:0014883, OMIM 617047.
Myofibrillar myopathy 5. Also called: Filaminopathy (type); FILAMINOPATHY, AUTOSOMAL DOMINANT. Identifiers: Orphanet 171445, MedGen C1836050, MONDO:0012289, OMIM 609524.
Distal myopathy with posterior leg and anterior hand involvement. Also called: WILLIAMS DISTAL MYOPATHY. Identifiers: Orphanet 63273, MedGen C3279722, MONDO:0013550, OMIM 614065.

gnomAD v4.1: 3 of 1,549,812 alleles (0.00019%); highest among the groups gnomAD compares: Non-Finnish European, 0.00026%; no homozygotes.

Submission:

Labcorp Genetics (formerly Invitae), Labcorp
Classification: Uncertain significance for Distal myopathy with posterior leg and anterior hand involvement; Myofibrillar myopathy 5; Hypertrophic cardiomyopathy 26. Last evaluated: 2024-06-02. Review status: criteria provided, single submitter. Criteria: Invitae Variant Classification Sherloc (09022015). Collection method: clinical testing. Allele origin: germline.
Comment: This sequence change replaces glutamic acid, which is acidic and polar, with glutamine, which is neutral and polar, at codon 765 of the FLNC protein (p.Glu765Gln). This variant is not present in population databases (gnomAD no frequency). This variant has not been reported in the literature in individuals affected with FLNC-related conditions. Advanced modeling of protein sequence and biophysical properties (such as structural, functional, and spatial information, amino acid conservation, physicochemical variation, residue mobility, and thermodynamic stability) has been performed at Invitae for this missense variant, however the output from this modeling did not meet the statistical confidence thresholds required to predict the impact of this variant on FLNC protein function. In summary, the available evidence is currently insufficient to determine the role of this variant in disease. Therefore, it has been classified as a Variant of Uncertain Significance.